The following is an entry in ClinVar:

ClinVar aggregate classification (germline): Uncertain significance (1 of 4 stars; one submission).

Submission:

Ambry Genetics
Classification: Uncertain significance. Last evaluated: 2025-07-14. Review status: criteria provided, single submitter. Criteria: Ambry Variant Classification Scheme 2023. Collection method: clinical testing. Allele origin: germline.
Comment: The p.V7F variant (also known as c.19G>T), located in coding exon 1 of the GFI1 gene, results from a G to T substitution at nucleotide position 19. The valine at codon 7 is replaced by phenylalanine, an amino acid with highly similar properties. This amino acid position is conserved. In addition, the in silico prediction for this alteration is inconclusive. Based on the available evidence, the clinical significance of this variant remains unclear.

NM_005263.5(GFI1):c.19G>T (p.Val7Phe)

Gene: GFI1 (growth factor independent 1 transcriptional repressor; minus strand). Cytogenetic location: 1p22.1.
Variant type: single nucleotide variant.
Coding change: c.19G>T on transcript NM_005263.5 (MANE Select); coding-DNA position 19, G replaced by T.
Protein change: p.Val7Phe; replaces valine 7 with phenylalanine.
Molecular consequence: missense variant.
Genome position (GRCh38, 1-based): chr1:92,483,469, C>A on the plus strand (G>T on the coding strand, the complement: GFI1 is on the minus strand). VCF-style: chr1-92483469-C-A. GRCh37 (hg19) VCF-style: chr1-92949026-C-A.
Other names: c.19G>T, p.Val7Phe (NM_001127215.3, NM_001127216.3); short protein forms V7F.
Identifiers: ClinVar variation 4263199 (VCV004263199.1).
Genomic context (GRCh38, chr1:92,483,469, plus strand): 5'-GGGAATAGTCTGGTCCTGGGGAGCGCGGCTGGTGGTAGCTGTGAGCCTTCTTGCTTTTGA[C>A]GAGAAATGAGCGCGGCATGGTGGTCCGGCACTTTCCCCACTGCGCCCCAAGAGTCCCTGG-3'
Protein context (NP_005254.2, residues 1-17): MPRSFL[Val7Phe]KSKKAHSYHQ